The following is an entry in ClinVar:

NM_004364.5(CEBPA):c.146C>G (p.Pro49Arg)

Gene: CEBPA (CCAAT enhancer binding protein alpha; minus strand). Cytogenetic location: 19q13.11.
Variant type: single nucleotide variant.
Coding change: c.146C>G on transcript NM_004364.5 (MANE Select); coding-DNA position 146, C replaced by G.
Protein change: p.Pro49Arg; replaces proline 49 with arginine.
Molecular consequence: missense variant. On other transcripts: 5 prime UTR variant (1).
Genome position (GRCh38, 1-based): chr19:33,302,269, G>C on the plus strand (C>G on the coding strand, the complement: CEBPA is on the minus strand). VCF-style: chr19-33302269-G-C. GRCh37 (hg19) VCF-style: chr19-33793175-G-C.
Other names: c.-212C>G (NM_001285829.2); c.251C>G, p.Pro84Arg (NM_001287424.2); c.104C>G, p.Pro35Arg (NM_001287435.2); short protein forms P49R, P84R, P35R.
Identifiers: ClinVar variation 2858389 (VCV002858389.3), dbSNP rs1967196919, ClinGen allele CA405275582.

ClinVar aggregate classification (germline): Uncertain significance (1 of 4 stars; one submission).

Conditions:
Acute myeloid leukemia (AML). Also called: Acute myeloid leukemia, adult; AML adult; Acute non-lymphocytic leukemia; Acute granulocytic leukemia; Leukemia, acute myeloid, somatic; Leukemia, acute myelogenous, somatic. Identifiers: Orphanet 519, MedGen C0023467, MeSH D015470, MONDO:0018874, OMIM 601626, HP:0004808. Disease mechanism: Constitutively activated FLT3.

Submission:

Labcorp Genetics (formerly Invitae), Labcorp
Classification: Uncertain significance for Acute myeloid leukemia. Last evaluated: 2024-05-06. Review status: criteria provided, single submitter. Criteria: Invitae Variant Classification Sherloc (09022015). Collection method: clinical testing. Allele origin: germline.
Comment: This sequence change replaces proline, which is neutral and non-polar, with arginine, which is basic and polar, at codon 49 of the CEBPA protein (p.Pro49Arg). This variant is not present in population databases (gnomAD no frequency). This variant has not been reported in the literature in individuals affected with CEBPA-related conditions. Advanced modeling of protein sequence and biophysical properties (such as structural, functional, and spatial information, amino acid conservation, physicochemical variation, residue mobility, and thermodynamic stability) performed at Invitae indicates that this missense variant is not expected to disrupt CEBPA protein function with a negative predictive value of 80%. In summary, the available evidence is currently insufficient to determine the role of this variant in disease. Therefore, it has been classified as a Variant of Uncertain Significance.